The following is an entry in ClinVar:

ClinVar aggregate classification (germline): Uncertain significance (1 of 4 stars; one submission).

Conditions:
Congenital myasthenic syndrome 8. Also called: MYASTHENIC SYNDROME, CONGENITAL, DUE TO AGRIN DEFICIENCY; Myasthenic syndrome, congenital, 8, with pre- and postsynaptic defects. Identifiers: Orphanet 590, MedGen C3808739, MONDO:0014052, OMIM 615120.

gnomAD v4.1: 6 of 1,517,022 alleles (0.0004%); highest among the groups gnomAD compares: Non-Finnish European, 0.00026%; no homozygotes.

Submission:

Labcorp Genetics (formerly Invitae), Labcorp
Classification: Uncertain significance for Congenital myasthenic syndrome 8. Last evaluated: 2021-08-26. Review status: criteria provided, single submitter. Criteria: Invitae Variant Classification Sherloc (09022015). Collection method: clinical testing. Allele origin: germline.
Comment: This sequence change replaces glycine with arginine at codon 240 of the AGRN protein (p.Gly240Arg). The glycine residue is highly conserved and there is a moderate physicochemical difference between glycine and arginine. The frequency data for this variant in the population databases is considered unreliable, as metrics indicate insufficient coverage at this position in the ExAC database. This variant has not been reported in the literature in individuals affected with AGRN-related conditions. Algorithms developed to predict the effect of missense changes on protein structure and function are either unavailable or do not agree on the potential impact of this missense change (SIFT: "Deleterious"; PolyPhen-2: "Benign"; Align-GVGD: "Class C0"). Algorithms developed to predict the effect of sequence changes on RNA splicing suggest that this variant may create or strengthen a splice site. In summary, the available evidence is currently insufficient to determine the role of this variant in disease. Therefore, it has been classified as a Variant of Uncertain Significance.

NM_198576.4(AGRN):c.718G>A (p.Gly240Arg)

Genes: AGRN (agrin; plus strand), LOC129929077 (ATAC-STARR-seq lymphoblastoid silent region 23; plus strand). Cytogenetic location: 1p36.33.
Variant type: single nucleotide variant.
Coding change: c.718G>A on transcript NM_198576.4 (MANE Select); coding-DNA position 718, G replaced by A.
Protein change: p.Gly240Arg; replaces glycine 240 with arginine.
Molecular consequence: missense variant.
Genome position (GRCh38, 1-based): chr1:1,040,871, G>A. VCF-style: chr1-1040871-G-A. GRCh37 (hg19) VCF-style: chr1-976251-G-A.
Other names: c.718G>A, p.Gly240Arg (NM_001305275.2); c.403G>A, p.Gly135Arg (NM_001364727.2); short protein forms G135R, G240R.
Identifiers: ClinVar variation 653013 (VCV000653013.6), dbSNP rs754282794, ClinGen allele CA337823244.